The following continues an entry in ClinVar:

NM_000083.3(CLCN1):c.1238T>G (p.Phe413Cys)

Gene: CLCN1. ClinVar aggregate classification (germline): Pathogenic/Likely pathogenic. Pathogenic (16); Likely pathogenic (1).

Submissions 13 to 20 of 20:

CeGaT Center for Human Genetics Tuebingen
Classification: Pathogenic. Last evaluated: 2017-05-01. Review status: criteria provided, single submitter. Criteria: CeGaT Center For Human Genetics Tuebingen Variant Classification Criteria Version 2. Collection method: clinical testing. Allele origin: germline. Affected: yes. Observed: 1 variant allele.

HudsonAlpha Institute for Biotechnology
Classification: Pathogenic for Congenital myotonia, autosomal dominant form. Last evaluated: 2016-10-13. Review status: criteria provided, single submitter. Criteria: HA_assertions_20150911. Collection method: research. Allele origin: unknown, maternal. Observed: 2 variant alleles. Study: CSER-HudsonAlpha.

Eurofins Ntd Llc (ga)
Classification: Pathogenic. Last evaluated: 2016-06-28. Review status: criteria provided, single submitter. Criteria: EGL Classification Definitions 2015. Collection method: clinical testing. Allele origin: germline. Observed: 2 variant alleles, 2 heterozygotes.

Courtagen Diagnostics Laboratory, Courtagen Life Sciences
Classification: Pathogenic for Myotonia congenita, dominant. Last evaluated: 2014-03-27. Review status: criteria provided, single submitter. Criteria: Courtagen Life Sciences Classifications. Collection method: clinical testing. Allele origin: germline.

Department Of Human Genetics, Institute Of Clinical And Translational Research, Biomedical Research Center, Slovak Academy Of Sciences
Classification: Likely pathogenic for Congenital myotonia, autosomal recessive form. Review status: criteria provided, single submitter. Criteria: ACMG Guidelines, 2015. Collection method: research. Allele origin: germline. Inheritance: Autosomal recessive inheritance. Affected: yes. Observed: 1 variant allele.
Comment: The c.1238T>G variant is listed as a disease-causing in the HGMD database (CM920197) and it has been published for the first time in PMID: 1379744. GnomAD Exomes Version: 4.0 indicates the frequency of f = 0.000265.

PreventionGenetics, part of Exact Sciences
Classification: Pathogenic for CLCN1-related condition. Last evaluated: 2024-03-13. Review status: no assertion criteria provided. Collection method: clinical testing. Allele origin: germline. Not counted in ClinVar's aggregate classification.
Comment: The CLCN1 c.1238T>G variant is predicted to result in the amino acid substitution p.Phe413Cys. This variant has been reported in multiple unrelated individuals with myotonia congenita (Koch et al. 1992. PubMed ID: 1379744; Papponen et al. 2008. PubMed ID: 17990293; Suominen et al. 2008. PubMed ID: 18807109; Brugnoni et al. 2013. PubMed ID: 23739125). This variant is reported in 0.25% of alleles in individuals of Ashkenazi Jewish descent in gnomAD. This variant is interpreted as pathogenic.

OMIM
Classification: Pathogenic for MYOTONIA CONGENITA, AUTOSOMAL RECESSIVE. Last evaluated: 1993-11-01. Review status: no assertion criteria provided. Collection method: literature only. Allele origin: germline. Not counted in ClinVar's aggregate classification.

Genomics England Pilot Project, Genomics England
Classification: Likely pathogenic for Congenital myotonia, autosomal dominant form. Review status: no assertion criteria provided. Criteria: ACGS Guidelines, 2016. Collection method: clinical testing. Allele origin: germline. Affected: yes. Not counted in ClinVar's aggregate classification.

Literature cited by the submitters: PubMed 1379744 (cited by 4 submitters); PubMed 8533761 (cited by 4 submitters); PubMed 11840191 (cited by Labcorp Genetics (formerly Invitae), Labcorp and Athena Diagnostics); PubMed 18337730 (cited by 3 submitters); PubMed 23739125 (cited by Labcorp Genetics (formerly Invitae), Labcorp and Mayo Clinic Laboratories, Mayo Clinic); PubMed 10690989 (cited by Labcorp Genetics (formerly Invitae), Labcorp and Athena Diagnostics); PubMed 17990293 (cited by 4 submitters); PubMed 38055022 (cited by Athena Diagnostics and Women's Health and Genetics/Laboratory Corporation of America, LabCorp); PubMed 32670189 (cited by Athena Diagnostics); PubMed 34529042 (cited by Athena Diagnostics); PubMed 33263785 (cited by Athena Diagnostics); PubMed 36796140 (cited by Athena Diagnostics); PubMed 29050397 (cited by Athena Diagnostics); PubMed 24349310 (cited by Athena Diagnostics); PubMed 28325641 (cited by Athena Diagnostics); PubMed 29606556 (cited by Athena Diagnostics); PubMed 17932099 (cited by Athena Diagnostics); PubMed 18807109 (cited by Athena Diagnostics and Mayo Clinic Laboratories, Mayo Clinic); PubMed 21204798 (cited by Athena Diagnostics and Mayo Clinic Laboratories, Mayo Clinic); PubMed 9040760 (cited by Athena Diagnostics); PubMed 37091313 (cited by Practice for Gait Abnormalities, David Pomarino, Competency Network Toe Walking C/o Practice Pomarino); PubMed 10360989 (cited by Mayo Clinic Laboratories, Mayo Clinic); PubMed 29790872 (cited by Mayo Clinic Laboratories, Mayo Clinic); George, A. L., Jr. Personal Communication. 1997. Nashville, Tenn. (cited by OMIM); PubMed 8301644 (cited by OMIM).